The following is an entry in ClinVar:

ClinVar aggregate classification (germline): Uncertain significance (1 of 4 stars; one submission).

Conditions:
KBG syndrome (KBGS). Also called: ANKRD11-Related KBG Syndrome. Identifiers: Orphanet 2332, MedGen C0220687, MONDO:0007846, OMIM 148050.

Submission:

Labcorp Genetics (formerly Invitae), Labcorp
Classification: Uncertain significance for KBG syndrome. Last evaluated: 2022-07-25. Review status: criteria provided, single submitter. Criteria: Invitae Variant Classification Sherloc (09022015). Collection method: clinical testing. Allele origin: germline.
Comment: In summary, the available evidence is currently insufficient to determine the role of this variant in disease. Therefore, it has been classified as a Variant of Uncertain Significance. Advanced modeling of protein sequence and biophysical properties (such as structural, functional, and spatial information, amino acid conservation, physicochemical variation, residue mobility, and thermodynamic stability) performed at Invitae indicates that this missense variant is not expected to disrupt ANKRD11 protein function. This variant has not been reported in the literature in individuals affected with ANKRD11-related conditions. This variant is not present in population databases (gnomAD no frequency). This sequence change replaces serine, which is neutral and polar, with tyrosine, which is neutral and polar, at codon 2237 of the ANKRD11 protein (p.Ser2237Tyr).

NM_013275.6(ANKRD11):c.6710C>A (p.Ser2237Tyr)

Gene: ANKRD11 (ankyrin repeat domain 11; minus strand). Cytogenetic location: 16q24.3.
Variant type: single nucleotide variant.
Coding change: c.6710C>A on transcript NM_013275.6 (MANE Select); coding-DNA position 6710, C replaced by A.
Protein change: p.Ser2237Tyr; replaces serine 2237 with tyrosine.
Molecular consequence: missense variant.
Genome position (GRCh38, 1-based): chr16:89,279,832, G>T on the plus strand (C>A on the coding strand, the complement: ANKRD11 is on the minus strand). VCF-style: chr16-89279832-G-T. GRCh37 (hg19) VCF-style: chr16-89346240-G-T.
Other names: c.6710C>A, p.Ser2237Tyr (NM_001256182.2, NM_001256183.2); short protein forms S2237Y.
Identifiers: ClinVar variation 1713759 (VCV001713759.5), dbSNP rs773653308, ClinGen allele CA397150171.